The following is an entry in ClinVar:

ClinVar aggregate classification (germline): Uncertain significance (1 of 4 stars; one submission).

Conditions:
Hereditary cancer-predisposing syndrome. Also called: Neoplastic Syndromes, Hereditary; Hereditary Cancer Syndrome; Tumor predisposition; Hereditary neoplastic syndrome. Identifiers: Orphanet 140162, MedGen C0027672, MeSH D009386, MONDO:0015356.

gnomAD v4.1: 1 of 1,614,240 alleles (0.000062%); highest among the groups gnomAD compares: Non-Finnish European, 0.000085%; no homozygotes.

Submission:

Ambry Genetics
Classification: Uncertain significance for Hereditary cancer-predisposing syndrome. Last evaluated: 2025-03-05. Review status: criteria provided, single submitter. Criteria: Ambry Variant Classification Scheme 2023. Collection method: clinical testing. Allele origin: germline.
Comment: The p.V336M variant (also known as c.1006G>A), located in coding exon 8 of the SMARCB1 gene, results from a G to A substitution at nucleotide position 1006. The valine at codon 336 is replaced by methionine, an amino acid with highly similar properties. This amino acid position is conserved. In addition, the in silico prediction for this alteration is inconclusive. Based on the available evidence, the clinical significance of this variant remains unclear.

NM_003073.5(SMARCB1):c.1006G>A (p.Val336Met)

Gene: SMARCB1 (SWI/SNF related BAF chromatin remodeling complex subunit B1; plus strand). Cytogenetic location: 22q11.23.
Variant type: single nucleotide variant.
Coding change: c.1006G>A on transcript NM_003073.5 (MANE Select); coding-DNA position 1006, G replaced by A.
Protein change: p.Val336Met; replaces valine 336 with methionine.
Molecular consequence: missense variant.
Genome position (GRCh38, 1-based): chr22:23,833,591, G>A. VCF-style: chr22-23833591-G-A. GRCh37 (hg19) VCF-style: chr22-24175778-G-A.
Other names: c.979G>A, p.Val327Met (NM_001007468.3); c.1033G>A, p.Val345Met (NM_001317946.2); c.1060G>A, p.Val354Met (NM_001362877.2); short protein forms V336M, V345M, V354M, V327M.
Identifiers: ClinVar variation 3798963 (VCV003798963.1).
Genomic context (GRCh38, chr22:23,833,591, plus strand): 5'-GCTGGAAAAGTCATTCCTCTCACTGCCTCCCCTCCTCGTAGCGAGAACCCTCTGCCCACA[G>A]TGGAGATTGCCATCCGGAACACGGGCGATGCGGACCAGTGGTGCCCACTGCTGGAGACTC-3'
Protein context (NP_003064.2, residues 326-346): YAFSENPLPT[Val336Met]EIAIRNTGDA